The following is an entry in ClinVar:

ClinVar aggregate classification (germline): Uncertain significance (0 of 4 stars; one submission).

Conditions:
22q11.2 central duplication syndrome.

Submission:

Shanghai First Maternity and Infant Hospital, Tongji University
Classification: Uncertain significance for 22q11.2 central duplication syndrome. Last evaluated: 2019-03-02. Review status: no assertion criteria provided. Collection method: clinical testing. Allele origin: maternal. Affected: no. Observed: 1 variant allele.

GRCh37/hg19 22q11.21(chr22:20729388-21454872)x3

Genes: AIFM3 (AIF family member 3; plus strand), CRKL (CRK like proto-oncogene, adaptor protein; plus strand), KLHL22 (kelch like family member 22; minus strand), LZTR1 (leucine zipper like post translational regulator 1; plus strand), MED15 (mediator complex subunit 15; plus strand) and 9 more. Cytogenetic location: 22q11.21.
Variant type: copy number gain.
Change: copy number 3 (three copies instead of two) of chr22:20,729,388-21,454,872 (725.5 kb, GRCh37 coordinates, 1-based), cytogenetic band 22q11.21.
Identifiers: ClinVar variation 636295 (VCV000636295.2).